The following is an entry in ClinVar:

NM_017950.4(CCDC40):c.1345C>T (p.Arg449Ter)

Gene: CCDC40 (coiled-coil domain 40 molecular ruler complex subunit; plus strand). Cytogenetic location: 17q25.3.
Variant type: single nucleotide variant.
Coding change: c.1345C>T on transcript NM_017950.4 (MANE Select); coding-DNA position 1345, C replaced by T.
Protein change: p.Arg449Ter; replaces arginine 449 with a stop codon.
Molecular consequence: nonsense.
Genome position (GRCh38, 1-based): chr17:80,058,885, C>T. VCF-style: chr17-80058885-C-T. GRCh37 (hg19) VCF-style: chr17-78032684-C-T.
Other names: c.1345C>T, p.Arg449Ter (NM_001243342.2, NM_001330508.2); short protein forms R449*.
Identifiers: ClinVar variation 31072 (VCV000031072.16), dbSNP rs387907093, ClinGen allele CA259989.
Genomic context (GRCh38, chr17:80,058,885, plus strand): 5'-CCTGACGGGGCTGCTTCTCATCCTGTTTCCCAGGACCTGTATGTGGACCAGCTCACCACT[C>T]GAGCCCAGCAACTGGAAGAAGACATTGCCCTGTTTGAGGCTCAGTACTTGGCCCAAGCTG-3'

ClinVar aggregate classification (germline): Pathogenic. Review status: criteria provided, multiple submitters, no conflicts (2 of 4 stars). 6 submissions from 6 submitters: Pathogenic (5). 1 of the submissions does not count toward it. Last evaluated 2025-10-09.

Conditions:
CCDC40-related disorder. Also called: CCDC40-related condition.
Primary ciliary dyskinesia. Also called: Ciliary dyskinesia. Identifiers: Orphanet 244, MedGen C0008780, MONDO:0016575, HP:0012265.
Primary ciliary dyskinesia 15. Also called: CILIARY DYSKINESIA, PRIMARY, 15, WITH OR WITHOUT SITUS INVERSUS. Identifiers: Orphanet 244, MedGen C3151137, MONDO:0013435, OMIM 613808.

gnomAD v4.1: 10 of 1,614,146 alleles (0.00062%); highest among the groups gnomAD compares: Non-Finnish European, 0.00085%; no homozygotes.

Submissions (6):

Labcorp Genetics (formerly Invitae), Labcorp
Classification: Pathogenic for Primary ciliary dyskinesia. Last evaluated: 2025-10-09. Review status: criteria provided, single submitter. Criteria: Invitae Variant Classification Sherloc (09022015). Collection method: clinical testing. Allele origin: germline.
Comment: This sequence change creates a premature translational stop signal (p.Arg449*) in the CCDC40 gene. It is expected to result in an absent or disrupted protein product. Loss-of-function variants in CCDC40 are known to be pathogenic (PMID: 21131974, 22693285, 23255504). This variant is not present in population databases (gnomAD no frequency). This premature translational stop signal has been observed in individual(s) with primary ciliary dyskinesia and primary ciliary diskinesia (PMID: 21131974, 22693285, 23255504, 26228299). It has also been observed to segregate with disease in related individuals. This variant is also known as c.1366C>T (p.R449X). ClinVar contains an entry for this variant (Variation ID: 31072). For these reasons, this variant has been classified as Pathogenic.

Blueprint Genetics
Classification: Pathogenic for CCDC40-related disorders. Last evaluated: 2023-09-21. Review status: criteria provided, single submitter. Criteria: ACMG Guidelines, 2015. Collection method: clinical testing. Allele origin: germline. Affected: yes. Observed: 3 variant alleles.

Department of Human Genetics, Hannover Medical School
Classification: Pathogenic for Primary ciliary dyskinesia 15. Last evaluated: 2023-09-19. Review status: criteria provided, single submitter. Criteria: ACMG Guidelines, 2015. Collection method: clinical testing. Allele origin: germline. Inheritance: Autosomal recessive inheritance. Affected: yes.

Fulgent Genetics
Classification: Pathogenic for Primary ciliary dyskinesia 15. Last evaluated: 2022-03-28. Review status: criteria provided, single submitter. Criteria: ACMG Guidelines, 2015. Collection method: clinical testing. Allele origin: unknown.

Genetics and Molecular Pathology, SA Pathology
Classification: Pathogenic for Primary ciliary dyskinesia 15. Last evaluated: 2019-10-23. Review status: criteria provided, single submitter. Criteria: ACMG Guidelines, 2015. Collection method: clinical testing. Allele origin: germline. Affected: yes.

OMIM
Classification: Pathogenic for CILIARY DYSKINESIA, PRIMARY, 15. Last evaluated: 2011-01-01. Review status: no assertion criteria provided. Collection method: literature only. Allele origin: germline. Not counted in ClinVar's aggregate classification.

Literature cited by the submitters: PubMed 21131974 (cited by Labcorp Genetics (formerly Invitae), Labcorp and OMIM); PubMed 22693285 (cited by Labcorp Genetics (formerly Invitae), Labcorp); PubMed 23255504 (cited by Labcorp Genetics (formerly Invitae), Labcorp); PubMed 26228299 (cited by Labcorp Genetics (formerly Invitae), Labcorp).